The following is an entry in ClinVar:

NM_001083961.2(WDR62):c.3401T>G (p.Met1134Arg)

Gene: WDR62 (WD repeat domain 62; plus strand). Cytogenetic location: 19q13.12.
Variant type: single nucleotide variant.
Coding change: c.3401T>G on transcript NM_001083961.2 (MANE Select); coding-DNA position 3401, T replaced by G.
Protein change: p.Met1134Arg; replaces methionine 1134 with arginine.
Molecular consequence: missense variant.
Genome position (GRCh38, 1-based): chr19:36,103,013, T>G. VCF-style: chr19-36103013-T-G. GRCh37 (hg19) VCF-style: chr19-36593915-T-G.
Other names: c.3386T>G, p.Met1129Arg (NM_173636.5); short protein forms M1134R, M1129R.
Identifiers: ClinVar variation 160285 (VCV000160285.26), dbSNP rs61741470, ClinGen allele CA173929.

ClinVar aggregate classification (germline): Benign. Review status: criteria provided, multiple submitters, no conflicts (2 of 4 stars). 12 submissions from 12 submitters: Benign (10). 2 of the submissions do not count toward it. Last evaluated 2026-01-28.

Conditions:
Microcephaly 2, primary, autosomal recessive, with or without cortical malformations. Also called: WDR62 Primary Microcephaly; MICROCEPHALY 2, PRIMARY, AUTOSOMAL RECESSIVE, WITH CORTICAL MALFORMATIONS. Identifiers: Orphanet 2512, MedGen C1858535, MONDO:0011435, OMIM 604317.

Allele frequency attached by ClinVar (database versions not stated): gnomAD 0.03313 and 0.03569; TOPMed 0.03373; ESP Exome Variant Server 0.03452; gnomAD exomes 0.04595; ExAC 0.04755; 1000 Genomes Project 30x 0.05262; 1000 Genomes Project 0.05491.

Submissions (12):

Labcorp Genetics (formerly Invitae), Labcorp
Classification: Benign. Last evaluated: 2026-01-28. Review status: criteria provided, single submitter. Criteria: Invitae Variant Classification Sherloc (09022015). Collection method: clinical testing. Allele origin: germline.

Blueprint Genetics
Classification: Benign. Last evaluated: 2024-11-28. Review status: criteria provided, single submitter. Criteria: ACMG Guidelines, 2015. Collection method: clinical testing. Allele origin: germline.

Genome-Nilou Lab
Classification: Benign for Microcephaly 2, primary, autosomal recessive, with or without cortical malformations. Last evaluated: 2021-12-05. Review status: criteria provided, single submitter. Criteria: ACMG Guidelines, 2015. Collection method: clinical testing. Allele origin: germline. Affected: no.

Mayo Clinic Laboratories, Mayo Clinic
Classification: Benign. Last evaluated: 2018-04-10. Review status: criteria provided, single submitter. Criteria: ACMG Guidelines, 2015. Collection method: clinical testing. Allele origin: germline. Observed: 31 variant alleles.

Illumina Laboratory Services, Illumina
Classification: Benign for Microcephaly 2, primary, autosomal recessive, with or without cortical malformations. Last evaluated: 2018-01-13. Review status: criteria provided, single submitter. Criteria: ICSL Variant Classification Criteria 13 December 2019. Collection method: clinical testing. Allele origin: germline.
Comment: This variant was observed in the ICSL laboratory as part of a predisposition screen in an ostensibly healthy population. It had not been previously curated by ICSL or reported in the Human Gene Mutation Database (HGMD: prior to June 1st, 2018), and was therefore a candidate for classification through an automated scoring system. Utilizing variant allele frequency, disease prevalence and penetrance estimates, and inheritance mode, an automated score was calculated to assess if this variant is too frequent to cause the disease. Based on the score and internal cut-off values, a variant classified as benign is not then subjected to further curation. The score for this variant resulted in a classification of benign for this disease.

Athena Diagnostics
Classification: Benign for Microcephaly 2, primary, autosomal recessive, with or without cortical malformations. Last evaluated: 2017-06-05. Review status: criteria provided, single submitter. Criteria: Athena Diagnostics Criteria. Collection method: clinical testing. Allele origin: germline.

GeneDx
Classification: Benign. Last evaluated: 2015-03-03. Review status: criteria provided, single submitter. Criteria: GeneDx Variant Classification Process June 2021. Collection method: clinical testing. Allele origin: germline. Affected: yes.

Genetic Services Laboratory, University of Chicago
Classification: Benign. Last evaluated: 2013-02-08. Review status: criteria provided, single submitter. Criteria: ACMG Guidelines, 2007. Collection method: clinical testing. Allele origin: germline. Inheritance: Autosomal recessive inheritance.

Breakthrough Genomics
Classification: Benign. Review status: criteria provided, single submitter. Criteria: ACMG Guidelines, 2015. Collection method: not provided. Allele origin: germline. Inheritance: Autosomal recessive inheritance. Affected: yes.

PreventionGenetics, part of Exact Sciences
Classification: Benign. Review status: criteria provided, single submitter. Criteria: ACMG Guidelines, 2015. Collection method: clinical testing. Allele origin: germline.

Clinical Genetics DNA and cytogenetics Diagnostics Lab, Erasmus MC, Erasmus Medical Center
Classification: Benign. Review status: no assertion criteria provided. Collection method: clinical testing. Allele origin: germline. Affected: yes. Study: VKGL Data-share Consensus. Not counted in ClinVar's aggregate classification.

Joint Genome Diagnostic Labs from Nijmegen and Maastricht, Radboudumc and MUMC+
Classification: Benign. Review status: no assertion criteria provided. Collection method: clinical testing. Allele origin: germline. Affected: yes. Study: VKGL Data-share Consensus. Not counted in ClinVar's aggregate classification.